The following is an entry in ClinVar:

ClinVar aggregate classification (germline): Likely benign (1 of 4 stars; one submission).

gnomAD v4.1: 23 of 1,612,968 alleles (0.0014%); highest among the groups gnomAD compares: South Asian, 0.0033%; no homozygotes.

Submission:

CeGaT Center for Human Genetics Tuebingen
Classification: Likely benign. Last evaluated: 2026-05-01. Review status: criteria provided, single submitter. Criteria: CeGaT Center For Human Genetics Tuebingen Variant Classification Criteria Version 2. Collection method: clinical testing. Allele origin: germline. Affected: yes. Observed: 1 variant allele.
Comment: AHNAK2: BP4, BP7

NM_138420.4(AHNAK2):c.8790G>C (p.Ala2930=)

Gene: AHNAK2 (AHNAK nucleoprotein 2; minus strand). Cytogenetic location: 14q32.33.
Variant type: single nucleotide variant.
Coding change: c.8790G>C on transcript NM_138420.4 (MANE Select); coding-DNA position 8790, G replaced by C.
Protein change: p.Ala2930=; no amino-acid change (alanine 2930 retained).
Molecular consequence: synonymous variant.
Genome position (GRCh38, 1-based): chr14:104,946,661, C>G on the plus strand (G>C on the coding strand, the complement: AHNAK2 is on the minus strand). VCF-style: chr14-104946661-C-G. GRCh37 (hg19) VCF-style: chr14-105412998-C-G.
Other names: c.8490G>C, p.Ala2830= (NM_001350929.2).
Identifiers: ClinVar variation 4873220 (VCV004873220.2).